The following is an entry in ClinVar:

ClinVar aggregate classification (germline): Pathogenic/Likely pathogenic. Review status: criteria provided, multiple submitters, no conflicts (2 of 4 stars). 3 submissions from 3 submitters: Pathogenic (2); Likely pathogenic (1). Last evaluated 2026-09-08.

Conditions:
Fabry disease. Also called: Fabry's disease; GLA DEFICIENCY; HEREDITARY DYSTOPIC LIPIDOSIS; Angiokeratoma corporis diffusum; ALPHA-GALACTOSIDASE A DEFICIENCY; ANDERSON-FABRY DISEASE. Identifiers: Orphanet 324, MedGen C0002986, MONDO:0010526, OMIM 301500, HP:0001071. Disease mechanism: Fabry disease is due to inactivating mutations in the X-linked GLA gene resulting in deficiency of the enzyme Alpha Galactosidase-A., loss of function.
Cardiomyopathy (CMYO). Also called: Cardiomyopathies. Identifiers: Orphanet 167848, MedGen C0878544, MONDO:0004994, HP:0001638. Inheritance: Various modes of inheritance.

Submissions (3):

Genomenon, Inc
Classification: Pathogenic for Fabry disease. Last evaluated: 2026-09-08. Review status: criteria provided, single submitter. Criteria: Genomenon Sequence Variant Interpretation Standards - Updated. Collection method: curation. Allele origin: germline. Affected: yes.
Comment: GLA p.Trp162Ter (c.486G>A) is a nonsense variant that introduces a premature stop codon at amino acid position 162 and is predicted to result in a truncated or absent protein product. This variant has been observed in at least one proband with clinical features consistent with Fabry disease (PMID:11668641;37480128). At least one functional study has demonstrated a substantial alteration in protein function relative to the wild-type (PMID:26415523). It is absent or not present at a significant frequency in gnomAD. In conclusion, we classify GLA p.Trp162Ter (c.486G>A) as a pathogenic variant.

Fulgent Genetics
Classification: Likely pathogenic for Fabry disease. Last evaluated: 2021-07-11. Review status: criteria provided, single submitter. Criteria: ACMG Guidelines, 2015. Collection method: clinical testing. Allele origin: unknown.

CHEO Genetics Diagnostic Laboratory, Children's Hospital of Eastern Ontario
Classification: Pathogenic for Cardiomyopathy. Last evaluated: 2019-10-24. Review status: criteria provided, single submitter. Criteria: ACMG Guidelines, 2015. Collection method: clinical testing. Allele origin: germline.

Literature cited by the submitters: PubMed 11668641 (cited by Genomenon, Inc); PubMed 37480128 (cited by Genomenon, Inc); PubMed 26415523 (cited by Genomenon, Inc).

NM_000169.3(GLA):c.486G>A (p.Trp162Ter)

Genes: GLA (galactosidase alpha; minus strand), RPL36A-HNRNPH2 (RPL36A-HNRNPH2 readthrough; plus strand). Cytogenetic location: Xq22.1.
Variant type: single nucleotide variant.
Coding change: c.486G>A on transcript NM_000169.3 (MANE Select); coding-DNA position 486, G replaced by A.
Protein change: p.Trp162Ter; replaces tryptophan 162 with a stop codon.
Molecular consequence: nonsense. On other transcripts: non-coding transcript variant (3), intron variant (2).
Genome position (GRCh38, 1-based): chrX:101,401,693, C>T on the plus strand (G>A on the coding strand, the complement: GLA is on the minus strand). VCF-style: chrX-101401693-C-T. GRCh37 (hg19) VCF-style: chrX-100656681-C-T.
Other names: c.609G>A, p.Trp203Ter (NM_001406747.1, NM_001406749.1); c.486G>A, p.Trp162Ter (NM_001406748.1); c.300+6236C>T (NM_001199973.2); c.177+9871C>T (NM_001199974.2); short protein forms W162*, W203*.
Identifiers: ClinVar variation 1329375 (VCV001329375.5), dbSNP rs869312311, ClinGen allele CA413929172.